The following is an entry in ClinVar:

NM_000254.3(MTR):c.1952A>G (p.Gln651Arg)

Gene: MTR (5-methyltetrahydrofolate-homocysteine methyltransferase; plus strand). Cytogenetic location: 1q43.
Variant type: single nucleotide variant.
Coding change: c.1952A>G on transcript NM_000254.3 (MANE Select); coding-DNA position 1952, A replaced by G.
Protein change: p.Gln651Arg; replaces glutamine 651 with arginine.
Molecular consequence: missense variant.
Genome position (GRCh38, 1-based): chr1:236,853,087, A>G. VCF-style: chr1-236853087-A-G. GRCh37 (hg19) VCF-style: chr1-237016387-A-G.
Other names: c.1952A>G, p.Gln651Arg (NM_001410942.1, NM_001291939.1); c.731A>G, p.Gln244Arg (NM_001291940.2); short protein forms Q244R, Q651R.
Identifiers: ClinVar variation 4847391 (VCV004847391.1).
Genomic context (GRCh38, chr1:236,853,087, plus strand): 5'-GTGAAGATCTCATCTGGAATAAAGACCCTGAGGCCACTGAGAAGCTCTTACGTTATGCCC[A>G]GGTAGAGAGACAAGTGTTCTAATAGATGGATTTTTCCTATCTTTGAATGTATTACTCACC-3'
Protein context (NP_000245.2, residues 641-661): EATEKLLRYA[Gln651Arg]TQGTGGKKVI

ClinVar aggregate classification (germline): Uncertain significance (1 of 4 stars; one submission).

Submission:

Women's Health and Genetics/Laboratory Corporation of America, LabCorp
Classification: Uncertain significance. Last evaluated: 2026-03-09. Review status: criteria provided, single submitter. Criteria: LabCorp Variant Classification Summary - May 2015. Collection method: clinical testing. Allele origin: germline.
Comment: Variant summary: MTR c.1952A>G (p.Gln651Arg) results in a conservative amino acid change in the encoded protein sequence near a canonical splice site. Algorithms developed to predict the effect of missense changes on protein structure and function are either unavailable or do not agree on the potential impact of this missense change. Several computational tools predict a significant impact on normal splicing: Four predict the variant abolishes or weakens a 5' splicing donor site. However, these predictions have yet to be confirmed by functional studies. The variant was absent in 249854 control chromosomes. The available data on variant occurrences in the general population are insufficient to allow any conclusion about variant significance. To our knowledge, no occurrence of c.1952A>G in individuals affected with MTR-related conditions and no experimental evidence demonstrating its impact on protein function have been reported. No submitters have cited clinical-significance assessments for this variant to ClinVar. Based on the evidence outlined above, the variant was classified as uncertain significance.